The following is an entry in ClinVar:

ClinVar aggregate classification (germline): Conflicting classifications of pathogenicity. Review status: criteria provided, conflicting classifications (1 of 4 stars). 5 submissions from 5 submitters: Uncertain significance (3); Benign (2). Last evaluated 2026-01-05.

Conditions:
Hereditary cancer-predisposing syndrome. Also called: Tumor predisposition; Neoplastic Syndromes, Hereditary; Hereditary Cancer Syndrome; Hereditary neoplastic syndrome. Identifiers: Orphanet 140162, MedGen C0027672, MeSH D009386, MONDO:0015356.
Cardiovascular phenotype. Identifiers: MedGen CN230736.
Neurofibromatosis, type 1 (NF1). Also called: Neurofibromatosis, type I; NEUROFIBROMATOSIS, TYPE I, SOMATIC; Peripheral type neurofibromatosis; VON RECKLINGHAUSEN DISEASE. Identifiers: Orphanet 636, MedGen C0027831, MONDO:0018975, OMIM 162200. Disease mechanism: loss of function.
Café-au-lait macules with pulmonary stenosis (WTSN). Also called: PULMONIC STENOSIS WITH CAFE-AU-LAIT SPOTS. Identifiers: MedGen C0553586, MONDO:0008672, OMIM 193520.
Juvenile myelomonocytic leukemia (JMML). Also called: LEUKEMIA, JUVENILE MYELOMONOCYTIC, SOMATIC. Identifiers: Orphanet 86834, MedGen C0349639, MONDO:0011908, OMIM 607785, HP:0012209.
Neurofibromatosis-Noonan syndrome (NFNS). Also called: NEUROFIBROMATOSIS WITH NOONAN PHENOTYPE. Identifiers: Orphanet 638, MedGen C2931482, MONDO:0011035, OMIM 601321. Disease mechanism: loss of function.
Neurofibromatosis, familial spinal (FSNF). Identifiers: Orphanet 636, MedGen C1834235, MONDO:0008078, OMIM 162210. Disease mechanism: loss of function.

Allele frequency attached by ClinVar (database versions not stated): TOPMed below 0.00001; gnomAD 0.00001 and 0.00003; gnomAD exomes 0.00001 and 0.00002; ExAC 0.00002; 1000 Genomes Project 30x 0.00016; 1000 Genomes Project 0.00020.
gnomAD v4.1: 6 of 1,612,904 alleles (0.00037%); highest among the groups gnomAD compares: Admixed American, 0.0067%; no homozygotes.

Submissions (5):

Labcorp Genetics (formerly Invitae), Labcorp
Classification: Benign for Neurofibromatosis, type 1. Last evaluated: 2026-01-05. Review status: criteria provided, single submitter. Criteria: Invitae Variant Classification Sherloc (09022015). Collection method: clinical testing. Allele origin: germline.

Fulgent Genetics
Classification: Uncertain significance for Neurofibromatosis, type 1; Neurofibromatosis, familial spinal; Café-au-lait macules with pulmonary stenosis; Neurofibromatosis-Noonan syndrome; Juvenile myelomonocytic leukemia. Last evaluated: 2024-05-28. Review status: criteria provided, single submitter. Criteria: ACMG Guidelines, 2015. Collection method: clinical testing. Allele origin: germline.

Genome-Nilou Lab
Classification: Uncertain significance for Neurofibromatosis, type 1. Last evaluated: 2022-03-15. Review status: criteria provided, single submitter. Criteria: ACMG Guidelines, 2015. Collection method: clinical testing. Allele origin: germline. Affected: no.

GeneDx
Classification: Uncertain significance. Last evaluated: 2021-12-17. Review status: criteria provided, single submitter. Criteria: GeneDx Variant Classification Process June 2021. Collection method: clinical testing. Allele origin: germline. Affected: yes.
Comment: In silico analysis supports that this missense variant does not alter protein structure/function; Has not been previously published as pathogenic or benign to our knowledge

Ambry Genetics
Classification: Benign for Cardiovascular phenotype; Hereditary cancer-predisposing syndrome. Last evaluated: 2021-10-25. Review status: criteria provided, single submitter. Criteria: Ambry Variant Classification Scheme 2023. Collection method: clinical testing. Allele origin: germline.

NM_001042492.3(NF1):c.67A>G (p.Ile23Val)

Gene: NF1 (neurofibromin 1; plus strand). Cytogenetic location: 17q11.2.
Variant type: single nucleotide variant.
Coding change: c.67A>G on transcript NM_001042492.3 (MANE Select); coding-DNA position 67, A replaced by G.
Protein change: p.Ile23Val; replaces isoleucine 23 with valine.
Molecular consequence: missense variant.
Genome position (GRCh38, 1-based): chr17:31,155,989, A>G. VCF-style: chr17-31155989-A-G. GRCh37 (hg19) VCF-style: chr17-29483007-A-G.
Other names: c.67A>G, p.Ile23Val (NM_000267.4, NM_001128147.3); short protein forms I23V.
Identifiers: ClinVar variation 404464 (VCV000404464.54), dbSNP rs542824372, ClinGen allele CA8485473.